The following is an entry in ClinVar:

ClinVar aggregate classification (germline): Conflicting classifications of pathogenicity. Review status: criteria provided, conflicting classifications (1 of 4 stars). 2 submissions from 2 submitters: Uncertain significance (1); Likely benign (1). Last evaluated 2026-02-17.

Conditions:
Hereditary cancer-predisposing syndrome. Also called: Hereditary neoplastic syndrome; Tumor predisposition; Neoplastic Syndromes, Hereditary; Hereditary Cancer Syndrome. Identifiers: Orphanet 140162, MedGen C0027672, MeSH D009386, MONDO:0015356.

Submissions (2):

Ambry Genetics
Classification: Uncertain significance for Hereditary cancer-predisposing syndrome. Last evaluated: 2026-02-17. Review status: criteria provided, single submitter. Criteria: Ambry Variant Classification Scheme 2023. Collection method: clinical testing. Allele origin: germline.
Comment: The c.2398-6_2398-4delCTT intronic variant, located in intron 14 of the RAD50 gene, results from a deletion of 3 nucleotides within intron 14 of the RAD50 gene. This nucleotide region is well conserved in available vertebrate species. In silico splice site analysis predicts that this alteration will not have any significant effect on splicing. Based on the available evidence, the clinical significance of this variant remains unclear.

Labcorp Genetics (formerly Invitae), Labcorp
Classification: Likely benign for Hereditary cancer-predisposing syndrome. Last evaluated: 2022-10-07. Review status: criteria provided, single submitter. Criteria: Invitae Variant Classification Sherloc (09022015). Collection method: clinical testing. Allele origin: germline.

NM_005732.4(RAD50):c.2398-6_2398-4del

Gene: RAD50 (RAD50 double strand break repair protein; plus strand). Cytogenetic location: 5q31.1.
Variant type: Deletion.
Coding change: c.2398-6_2398-4del on transcript NM_005732.4 (MANE Select); 6 bases into the intron before coding-DNA position 2398 through 4 bases into the intron before coding-DNA position 2398, 3 bases deleted (CTT; older notation c.2398-6_2398-4delCTT).
Molecular consequence: intron variant.
Genome position (GRCh38, 1-based): chr5:132,603,914-132,603,916, CTT deleted; deleting any 3 consecutive bases within chr5:132,603,912-132,603,916 gives the same sequence; the c. name uses the placement nearest the transcript's 3' end. VCF-style (leftmost placement, unchanged base first): chr5-132603911-ATTC-A. GRCh37 (hg19) VCF-style: chr5-131939603-ATTC-A.
Identifiers: ClinVar variation 1378223 (VCV001378223.11), dbSNP rs1750932790, ClinGen allele CA1583245846.